The following is an entry in ClinVar:

NM_005876.5(SPEG):c.3715+4C>T

Gene: SPEG (striated muscle enriched protein kinase; plus strand). Cytogenetic location: 2q35.
Variant type: single nucleotide variant.
Coding change: c.3715+4C>T on transcript NM_005876.5 (MANE Select); 4 bases into the intron after coding-DNA position 3715, C replaced by T.
Molecular consequence: intron variant.
Genome position (GRCh38, 1-based): chr2:219,469,383, C>T. VCF-style: chr2-219469383-C-T. GRCh37 (hg19) VCF-style: chr2-220334105-C-T.
Identifiers: ClinVar variation 736977 (VCV000736977.50), dbSNP rs529058423, ClinGen allele CA2126248.
Genomic context (GRCh38, chr2:219,469,383, plus strand): 5'-GCTGGTTCCACAATGGCCACCGCATCCAGAGCAGCGACGACCGGCGCATGACACAGTGTA[C>T]GTGTCTGGGAAGTTCCCCGGGAGTGTCCCCTGCAGCACCCACTTGGCTTGCAATGCCCTG-3'

ClinVar aggregate classification (germline): Benign. Review status: criteria provided, multiple submitters, no conflicts (2 of 4 stars). 3 submissions from 3 submitters: Benign (3). Last evaluated 2026-05-01.

Conditions:
SPEG-related disorder. Also called: SPEG-related condition.

Allele frequency attached by ClinVar (database versions not stated): gnomAD 0.00003 and 0.00044; TOPMed 0.00007; gnomAD exomes 0.00057 and 0.00107; ExAC 0.00136; 1000 Genomes Project 30x 0.00250; 1000 Genomes Project 0.00260.
gnomAD v4.1: 920 of 1,609,610 alleles (0.057%); highest among the groups gnomAD compares: South Asian, 0.93%; 12 homozygotes.

Submissions (3):

CeGaT Center for Human Genetics Tuebingen
Classification: Benign. Last evaluated: 2026-05-01. Review status: criteria provided, single submitter. Criteria: CeGaT Center For Human Genetics Tuebingen Variant Classification Criteria Version 2. Collection method: clinical testing. Allele origin: germline. Affected: yes. Observed: 5 variant alleles.
Comment: SPEG: BP4, BS1, BS2

Labcorp Genetics (formerly Invitae), Labcorp
Classification: Benign. Last evaluated: 2026-01-19. Review status: criteria provided, single submitter. Criteria: Invitae Variant Classification Sherloc (09022015). Collection method: clinical testing. Allele origin: germline.

PreventionGenetics, part of Exact Sciences
Classification: Benign for SPEG-related condition. Last evaluated: 2025-02-26. Review status: criteria provided, single submitter. Criteria: ACMG Guidelines, 2015. Collection method: clinical testing. Allele origin: germline.
Comment: This variant is classified as benign based on ACMG/AMP sequence variant interpretation guidelines (Richards et al. 2015 PMID: 25741868, with internal and published modifications).